The following is an entry in ClinVar:

NM_013275.6(ANKRD11):c.7487_7490dup (p.Ala2498fs)

Gene: ANKRD11 (ankyrin repeat domain containing 11; minus strand). Cytogenetic location: 16q24.3.
Variant type: Microsatellite.
Coding change: c.7487_7490dup on transcript NM_013275.6 (MANE Select); coding-DNA positions 7487 to 7490, 4 bases duplicated (CCCT; older notation c.7487_7490dupCCCT).
Protein change: p.Ala2498fs; shifts the reading frame from alanine 2498.
Molecular consequence: frameshift variant.
Genome position (GRCh38, 1-based): chr16:89,275,172-89,275,175, AGGG duplicated on the plus strand (CCCT on the coding strand, the reverse complement: ANKRD11 is on the minus strand); duplicating any 4 consecutive bases within chr16:89,275,172-89,275,183 gives the same sequence; the c. name uses the placement nearest the transcript's 3' end. VCF-style (leftmost placement, unchanged base first): chr16-89275171-C-CAGGG. GRCh37 (hg19) VCF-style: chr16-89341579-C-CAGGG.
Other names: c.7487_7490dup, p.Ala2498fs (NM_001256182.2, NM_001256183.2); short protein forms A2498fs.
Identifiers: ClinVar variation 3122634 (VCV003122634.1), dbSNP rs2544181623, ClinGen allele CA2825002464.

ClinVar aggregate classification (germline): Pathogenic (1 of 4 stars; one submission).

Conditions:
Inborn genetic diseases. Identifiers: MedGen C0950123, MeSH D030342.

Submission:

Ambry Genetics
Classification: Pathogenic for Inborn genetic diseases. Last evaluated: 2024-01-08. Review status: criteria provided, single submitter. Criteria: Ambry Variant Classification Scheme 2023. Collection method: clinical testing. Allele origin: germline.
Comment: The c.7487_7490dupCCCT (p.A2498Pfs*35) alteration, located in coding exon 8 of the ANKRD11 gene, consists of a duplication of CCCT at position 7487, causing a translational frameshift with a predicted alternate stop codon after 35 amino acids. This alteration is expected to result in loss of function by premature protein truncation or nonsense-mediated mRNA decay. This variant was not reported in population-based cohorts in the Genome Aggregation Database (gnomAD). Based on the available evidence, this alteration is classified as pathogenic.